The following is an entry in ClinVar:

NM_017617.5(NOTCH1):c.6875G>T (p.Gly2292Val)

Gene: NOTCH1 (notch receptor 1; minus strand). Cytogenetic location: 9q34.3.
Variant type: single nucleotide variant.
Coding change: c.6875G>T on transcript NM_017617.5 (MANE Select); coding-DNA position 6875, G replaced by T.
Protein change: p.Gly2292Val; replaces glycine 2292 with valine.
Molecular consequence: missense variant.
Genome position (GRCh38, 1-based): chr9:136,496,864, C>A on the plus strand (G>T on the coding strand, the complement: NOTCH1 is on the minus strand). VCF-style: chr9-136496864-C-A. GRCh37 (hg19) VCF-style: chr9-139391316-C-A.
Other names: short protein forms G2292V.
Identifiers: ClinVar variation 3681595 (VCV003681595.2).
Genomic context (GRCh38, chr9:136,496,864, plus strand): 5'-GACAGCCACTCGCATTGACCATTCAAACTGGTGGACCCGCCCACAGTGAAATTCAGGGCC[C>A]CTCCGCTGCTGGAGCCCAGGACGGTGCTGGTGCCAGAGGCCACAGGCAGGTGGGAGAGAC-3'
Protein context (NP_060087.3, residues 2282-2302): TSTVLGSSSG[Gly2292Val]ALNFTVGGST

ClinVar aggregate classification (germline): Uncertain significance (1 of 4 stars; one submission).

Conditions:
Adams-Oliver syndrome 5 (AOS5). Identifiers: Orphanet 974, MedGen C4014970, MONDO:0014459, OMIM 616028.

gnomAD v4.1: 1 of 1,612,796 alleles (0.000062%); highest among the groups gnomAD compares: Non-Finnish European, 0.000085%; no homozygotes.

Submission:

Labcorp Genetics (formerly Invitae), Labcorp
Classification: Uncertain significance for Adams-Oliver syndrome 5. Last evaluated: 2024-07-27. Review status: criteria provided, single submitter. Criteria: Invitae Variant Classification Sherloc (09022015). Collection method: clinical testing. Allele origin: germline.
Comment: This sequence change replaces glycine, which is neutral and non-polar, with valine, which is neutral and non-polar, at codon 2292 of the NOTCH1 protein (p.Gly2292Val). This variant is not present in population databases (gnomAD no frequency). This variant has not been reported in the literature in individuals affected with NOTCH1-related conditions. Advanced modeling of protein sequence and biophysical properties (such as structural, functional, and spatial information, amino acid conservation, physicochemical variation, residue mobility, and thermodynamic stability) performed at Invitae indicates that this missense variant is not expected to disrupt NOTCH1 protein function with a negative predictive value of 95%. In summary, the available evidence is currently insufficient to determine the role of this variant in disease. Therefore, it has been classified as a Variant of Uncertain Significance.